The following is an entry in ClinVar:

ClinVar aggregate classification (germline): Uncertain significance. Review status: criteria provided, multiple submitters, no conflicts (2 of 4 stars). 3 submissions from 3 submitters: Uncertain significance (2). 1 of the submissions does not count toward it. Last evaluated 2025-08-28.

Conditions:
Ehlers-Danlos syndrome, dermatosparaxis type. Also called: EDS VIIC; Ehlers-Danlos syndrome, type VII, autosomal recessive; Dermatosparaxis. Identifiers: Orphanet 1901, MedGen C2700425, MONDO:0009161, OMIM 225410.

Allele frequency attached by ClinVar (database versions not stated): TOPMed 0.00001.
gnomAD v4.1: 1 of 1,614,102 alleles (0.000062%); highest among the groups gnomAD compares: Middle Eastern, 0.017%; no homozygotes.

Submissions (3):

Myriad Genetics, Inc.
Classification: Uncertain significance for Ehlers-Danlos syndrome, dermatosparaxis type. Last evaluated: 2025-08-28. Review status: criteria provided, single submitter. Criteria: Myriad Autosomal Dominant, Autosomal Recessive and X-Linked Classification Criteria (2023). Collection method: clinical testing. Allele origin: unknown.
Comment: NM_014244.4(ADAMTS2):c.1683C>A(D561E) is a missense variant classified as a variant of uncertain significance in the context of Ehlers-Danlos syndrome, ADAMTS2-related. D561E has not been observed in cases with relevant disease. Relevant functional assessments of this variant are not available in the literature. D561E has not been observed in referenced population frequency databases. In summary, there is insufficient evidence to classify NM_014244.4(ADAMTS2):c.1683C>A(D561E) as pathogenic or benign. Please note: this variant was assessed in the context of healthy population screening.

Labcorp Genetics (formerly Invitae), Labcorp
Classification: Uncertain significance for Ehlers-Danlos syndrome, dermatosparaxis type. Last evaluated: 2021-08-30. Review status: criteria provided, single submitter. Criteria: Invitae Variant Classification Sherloc (09022015). Collection method: clinical testing. Allele origin: germline.
Comment: This sequence change replaces aspartic acid with glutamic acid at codon 561 of the ADAMTS2 protein (p.Asp561Glu). The aspartic acid residue is highly conserved and there is a small physicochemical difference between aspartic acid and glutamic acid. This variant is not present in population databases (ExAC no frequency). This variant has not been reported in the literature in individuals affected with ADAMTS2-related conditions. Algorithms developed to predict the effect of missense changes on protein structure and function (SIFT, PolyPhen-2, Align-GVGD) all suggest that this variant is likely to be disruptive. In summary, the available evidence is currently insufficient to determine the role of this variant in disease. Therefore, it has been classified as a Variant of Uncertain Significance.

Natera, Inc.
Classification: Uncertain significance for Ehlers-Danlos syndrome type VIIC. Last evaluated: 2020-02-26. Review status: no assertion criteria provided. Collection method: clinical testing. Allele origin: germline. Not counted in ClinVar's aggregate classification.

NM_014244.5(ADAMTS2):c.1683C>A (p.Asp561Glu)

Gene: ADAMTS2 (ADAM metallopeptidase with thrombospondin type 1 motif 2; minus strand). Cytogenetic location: 5q35.3.
Variant type: single nucleotide variant.
Coding change: c.1683C>A on transcript NM_014244.5 (MANE Select); coding-DNA position 1683, C replaced by A.
Protein change: p.Asp561Glu; replaces aspartic acid 561 with glutamic acid.
Molecular consequence: missense variant.
Genome position (GRCh38, 1-based): chr5:179,139,982, G>T on the plus strand (C>A on the coding strand, the complement: ADAMTS2 is on the minus strand). VCF-style: chr5-179139982-G-T. GRCh37 (hg19) VCF-style: chr5-178566983-G-T.
Other names: short protein forms D561E.
Identifiers: ClinVar variation 582049 (VCV000582049.10), dbSNP rs368700721, ClinGen allele CA362428363.